The following is an entry in ClinVar:

ClinVar aggregate classification (germline): Likely pathogenic (1 of 4 stars; one submission).

Conditions:
Intellectual disability. Also called: Intellectual functioning disability; intellectual disabilities; Intellectual developmental disorder. Identifiers: MedGen C3714756, MeSH D008607, MONDO:0001071, HP:0001249.

Submission:

Genetics Laboratory, UDIAT-Centre Diagnòstic, Hospital Universitari Parc Tauli
Classification: Likely pathogenic for intellectual disability. Last evaluated: 2025-02-04. Review status: criteria provided, single submitter. Criteria: ACMG Guidelines, 2015. Collection method: clinical testing. Allele origin: unknown. Inheritance: Autosomal dominant inheritance. Affected: yes.
Comment: PVS1_very strong;PM2_supporting

NM_016148.5(SHANK1):c.4714G>T (p.Glu1572Ter)

Gene: SHANK1 (SH3 and multiple ankyrin repeat domains 1; minus strand). Cytogenetic location: 19q13.33.
Variant type: single nucleotide variant.
Coding change: c.4714G>T on transcript NM_016148.5 (MANE Select); coding-DNA position 4714, G replaced by T.
Protein change: p.Glu1572Ter; replaces glutamic acid 1572 with a stop codon.
Molecular consequence: nonsense.
Genome position (GRCh38, 1-based): chr19:50,667,246, C>A on the plus strand (G>T on the coding strand, the complement: SHANK1 is on the minus strand). VCF-style: chr19-50667246-C-A. GRCh37 (hg19) VCF-style: chr19-51170503-C-A.
Other names: short protein forms E1572*.
Identifiers: ClinVar variation 3897636 (VCV003897636.1).
Genomic context (GRCh38, chr19:50,667,246, plus strand): 5'-GCGGGTGGGGAGGCCCAGGCGTGAGGGGCGACTCTGGCTTTTCGAAGCTGTTGGAGAATT[C>A]CAGAGGCGGAGGCAGCGGTTCCACGAAAAGGAATTCGCCATCTTCCACATCCACCGAGGG-3'